The following is an entry in ClinVar:

NM_052867.4(NALCN):c.208G>T (p.Val70Leu)

Gene: NALCN (sodium leak channel, non-selective; minus strand). Cytogenetic location: 13q33.1.
Variant type: single nucleotide variant.
Coding change: c.208G>T on transcript NM_052867.4 (MANE Select); coding-DNA position 208, G replaced by T.
Protein change: p.Val70Leu; replaces valine 70 with leucine.
Molecular consequence: missense variant.
Genome position (GRCh38, 1-based): chr13:101,395,266, C>A on the plus strand (G>T on the coding strand, the complement: NALCN is on the minus strand). VCF-style: chr13-101395266-C-A. GRCh37 (hg19) VCF-style: chr13-102047617-C-A.
Other names: c.208G>T, p.Val70Leu (NM_001350748.2, NM_001350749.2, NM_001350750.2 and 1 more transcripts); short protein forms V70L.
Identifiers: ClinVar variation 1197188 (VCV001197188.9), dbSNP rs75606652, ClinGen allele CA7036523.

ClinVar aggregate classification (germline): Likely benign. Review status: criteria provided, multiple submitters, no conflicts (2 of 4 stars). 3 submissions from 3 submitters: Likely benign (2). 1 of the submissions does not count toward it. Last evaluated 2026-02-03.

Conditions:
NALCN-related disorder. Also called: NALCN-related disorders; NALCN-related condition.

Allele frequency attached by ClinVar (database versions not stated): 1000 Genomes Project 30x 0.00031; 1000 Genomes Project 0.00040; TOPMed 0.00101; gnomAD exomes 0.00107; gnomAD 0.00111 and 0.00116; ExAC 0.00130; ESP Exome Variant Server 0.00154.
gnomAD v4.1: 2,679 of 1,614,034 alleles (0.17%); highest among the groups gnomAD compares: Non-Finnish European, 0.22%; 5 homozygotes.

Submissions (3):

Labcorp Genetics (formerly Invitae), Labcorp
Classification: Likely benign. Last evaluated: 2026-02-03. Review status: criteria provided, single submitter. Criteria: Invitae Variant Classification Sherloc (09022015). Collection method: clinical testing. Allele origin: germline.

GeneDx
Classification: Likely benign. Last evaluated: 2020-09-28. Review status: criteria provided, single submitter. Criteria: GeneDx Variant Classification Process June 2021. Collection method: clinical testing. Allele origin: germline. Affected: yes.
Comment: In silico analysis, which includes protein predictors and evolutionary conservation, supports that this variant does not alter protein structure/function; Has not been previously published as pathogenic or benign to our knowledge

PreventionGenetics, part of Exact Sciences
Classification: Likely benign for NALCN-related condition. Last evaluated: 2021-12-10. Review status: no assertion criteria provided. Collection method: clinical testing. Allele origin: germline. Not counted in ClinVar's aggregate classification.
Comment: This variant is classified as likely benign based on ACMG/AMP sequence variant interpretation guidelines (Richards et al. 2015 PMID: 25741868, with internal and published modifications).